The following is an entry in ClinVar:

NM_004006.3(DMD):c.2622+1G>T

Gene: DMD (dystrophin; minus strand). Cytogenetic location: Xp21.1.
Variant type: single nucleotide variant.
Coding change: c.2622+1G>T on transcript NM_004006.3 (MANE Select); the canonical splice donor site of the intron after coding-DNA position 2622, G replaced by T.
Molecular consequence: splice donor variant.
Genome position (GRCh38, 1-based): chrX:32,491,276, C>A on the plus strand (G>T on the coding strand, the complement: DMD is on the minus strand). VCF-style: chrX-32491276-C-A. GRCh37 (hg19) VCF-style: chrX-32509393-C-A.
Other names: c.2598+1G>T (NM_000109.4); c.2610+1G>T (NM_004009.3); c.2253+1G>T (NM_004010.3).
Identifiers: ClinVar variation 803907 (VCV000803907.4), dbSNP rs398123901, ClinGen allele CA412671777.
Genomic context (GRCh38, chrX:32,491,276, plus strand): 5'-TGGAAATTGCCAAGAAATACCTATTGATTATGCTCCAAATGGAAGGAGAAGAGATTCTTA[C>A]CTTACAAATTTTTAACTGACTTTTAATTGCTGTTGGCTCTGATGGGGTGGTGGGTTGGAT-3'

ClinVar aggregate classification (germline): Pathogenic. Review status: criteria provided, multiple submitters, no conflicts (2 of 4 stars). 2 submissions from 2 submitters: Pathogenic (2). Last evaluated 2024-05-15.

Conditions:
Duchenne muscular dystrophy (DMD). Also called: Duchenne Muscular Dystrophy (DMD); MUSCULAR DYSTROPHY, PSEUDOHYPERTROPHIC PROGRESSIVE, DUCHENNE TYPE. Identifiers: Orphanet 98896, MedGen C0013264, MONDO:0010679, OMIM 310200.

Submissions (2):

Labcorp Genetics (formerly Invitae), Labcorp
Classification: Pathogenic for Duchenne muscular dystrophy. Last evaluated: 2024-05-15. Review status: criteria provided, single submitter. Criteria: Invitae Variant Classification Sherloc (09022015). Collection method: clinical testing. Allele origin: germline.
Comment: This sequence change affects a donor splice site in intron 20 of the DMD gene. It is expected to disrupt RNA splicing. Variants that disrupt the donor or acceptor splice site typically lead to a loss of protein function (PMID: 16199547), and loss-of-function variants in DMD are known to be pathogenic (PMID: 16770791, 25007885). This variant is not present in population databases (gnomAD no frequency). Disruption of this splice site has been observed in individuals with Duchenne muscular dystrophy (PMID: 11524473, 27593222, 28859693). ClinVar contains an entry for this variant (Variation ID: 803907). Algorithms developed to predict the effect of sequence changes on RNA splicing suggest that this variant may disrupt the consensus splice site. For these reasons, this variant has been classified as Pathogenic.

Mendelics
Classification: Pathogenic for Duchenne muscular dystrophy. Last evaluated: 2019-05-28. Review status: criteria provided, single submitter. Criteria: Mendelics Assertion Criteria 2017. Collection method: clinical testing. Allele origin: unknown.

Literature cited by the submitters: PubMed 16199547 (cited by Labcorp Genetics (formerly Invitae), Labcorp); PubMed 16770791 (cited by Labcorp Genetics (formerly Invitae), Labcorp); PubMed 25007885 (cited by Labcorp Genetics (formerly Invitae), Labcorp); PubMed 11524473 (cited by Labcorp Genetics (formerly Invitae), Labcorp); PubMed 27593222 (cited by Labcorp Genetics (formerly Invitae), Labcorp); PubMed 28859693 (cited by Labcorp Genetics (formerly Invitae), Labcorp).